The following is an entry in ClinVar:

ClinVar aggregate classification (germline): Likely benign. Review status: criteria provided, single submitter (1 of 4 stars). 2 submissions from 2 submitters: Likely benign (1). 1 of the submissions does not count toward it. Last evaluated 2025-10-21.

Conditions:
VPS13B-related disorder. Also called: VPS13B-related condition.
Cohen syndrome (COH1). Also called: Cutis verticis gyrata, retinitis pigmentosa, and sensorineural deafness; PEPPER SYNDROME. Identifiers: Orphanet 193, MedGen C0265223, MONDO:0008999, OMIM 216550.

Allele frequency attached by ClinVar (database versions not stated): TOPMed 0.00002; gnomAD 0.00003 and 0.00004; gnomAD exomes 0.00004; ExAC 0.00011.
gnomAD v4.1: 300 of 1,591,920 alleles (0.019%); highest among the groups gnomAD compares: Non-Finnish European, 0.025%; 1 homozygote.

Submissions (2):

Labcorp Genetics (formerly Invitae), Labcorp
Classification: Likely benign for Cohen syndrome. Last evaluated: 2025-10-21. Review status: criteria provided, single submitter. Criteria: Invitae Variant Classification Sherloc (09022015). Collection method: clinical testing. Allele origin: germline.

PreventionGenetics, part of Exact Sciences
Classification: Likely benign for VPS13B-related condition. Last evaluated: 2021-10-29. Review status: no assertion criteria provided. Collection method: clinical testing. Allele origin: germline. Not counted in ClinVar's aggregate classification.
Comment: This variant is classified as likely benign based on ACMG/AMP sequence variant interpretation guidelines (Richards et al. 2015 PMID: 25741868, with internal and published modifications).

NM_152564.5(VPS13B):c.11208C>T (p.Ser3736=)

Gene: VPS13B (vacuolar protein sorting 13 homolog B; plus strand). Cytogenetic location: 8q22.2.
Variant type: single nucleotide variant.
Coding change: c.11208C>T on transcript NM_152564.5 (MANE Select); coding-DNA position 11208, C replaced by T.
Protein change: p.Ser3736=; no amino-acid change (serine 3736 retained).
Molecular consequence: synonymous variant.
Genome position (GRCh38, 1-based): chr8:99,861,939, C>T. VCF-style: chr8-99861939-C-T. GRCh37 (hg19) VCF-style: chr8-100874167-C-T.
Other names: c.11283C>T, p.Ser3761= (NM_017890.5); c.11208C>T (NM_152564.4).
Identifiers: ClinVar variation 1121022 (VCV001121022.11), dbSNP rs751880506, ClinGen allele CA4825164.